The following is an entry in ClinVar:

ClinVar aggregate classification (germline): Uncertain significance (1 of 4 stars; one submission).

gnomAD v4.1: 2 of 1,610,068 alleles (0.00012%); no homozygotes.

Submission:

Ambry Genetics
Classification: Uncertain significance. Last evaluated: 2024-09-08. Review status: criteria provided, single submitter. Criteria: Ambry Variant Classification Scheme 2023. Collection method: clinical testing. Allele origin: germline.
Comment: The p.S1696Y variant (also known as c.5087C>A), located in coding exon 16 of the POLQ gene, results from a C to A substitution at nucleotide position 5087. The serine at codon 1696 is replaced by tyrosine, an amino acid with dissimilar properties. This amino acid position is conserved. In addition, this alteration is predicted to be tolerated by in silico analysis. Based on the available evidence, the clinical significance of this variant remains unclear.

NM_199420.4(POLQ):c.5087C>A (p.Ser1696Tyr)

Gene: POLQ (DNA polymerase theta; minus strand). Cytogenetic location: 3q13.33.
Variant type: single nucleotide variant.
Coding change: c.5087C>A on transcript NM_199420.4 (MANE Select); coding-DNA position 5087, C replaced by A.
Protein change: p.Ser1696Tyr; replaces serine 1696 with tyrosine.
Molecular consequence: missense variant.
Genome position (GRCh38, 1-based): chr3:121,487,844, G>T on the plus strand (C>A on the coding strand, the complement: POLQ is on the minus strand). VCF-style: chr3-121487844-G-T. GRCh37 (hg19) VCF-style: chr3-121206691-G-T.
Other names: short protein forms S1696Y.
Identifiers: ClinVar variation 3422323 (VCV003422323.1).
Genomic context (GRCh38, chr3:121,487,844, plus strand): 5'-TCATCATGATTGGCATTGTTTTCTAGCATCTCAATCTTGCTTTTTACTTCATTATTAGAA[G>T]AAAATGAAATTCCCTGCACTTGTTTTGTCTCCAAGTTTGAAATAACTTCTTGTTCTTCAT-3'
Protein context (NP_955452.3, residues 1686-1706): ETKQVQGISF[Ser1696Tyr]SNNEVKSKIE